The following is an entry in ClinVar:

NM_178859.4(SLC51B):c.362C>T (p.Pro121Leu)

Genes: SLC51B (SLC51 subunit beta; plus strand), RASL12 (RAS like family 12; minus strand). Cytogenetic location: 15q22.31.
Variant type: single nucleotide variant.
Coding change: c.362C>T on transcript NM_178859.4 (MANE Select); coding-DNA position 362, C replaced by T.
Protein change: p.Pro121Leu; replaces proline 121 with leucine.
Molecular consequence: missense variant.
Genome position (GRCh38, 1-based): chr15:65,053,139, C>T. VCF-style: chr15-65053139-C-T. GRCh37 (hg19) VCF-style: chr15-65345477-C-T.
Other names: short protein forms P121L.
Identifiers: ClinVar variation 2319958 (VCV002319958.3), dbSNP rs75962063, ClinGen allele CA7613532.

ClinVar aggregate classification (germline): Uncertain significance. Review status: criteria provided, multiple submitters, no conflicts (2 of 4 stars). 2 submissions from 2 submitters: Uncertain significance (2). Last evaluated 2025-04-22.

Allele frequency attached by ClinVar (database versions not stated): gnomAD 0.00005; TOPMed 0.00005; ESP Exome Variant Server 0.00008; 1000 Genomes Project 30x 0.00031; 1000 Genomes Project 0.00040.
gnomAD v4.1: 16 of 1,614,042 alleles (0.00099%); highest among the groups gnomAD compares: East Asian, 0.0089%; no homozygotes.

Submissions (2):

Labcorp Genetics (formerly Invitae), Labcorp
Classification: Uncertain significance. Last evaluated: 2025-04-22. Review status: criteria provided, single submitter. Criteria: Invitae Variant Classification Sherloc (09022015). Collection method: clinical testing. Allele origin: germline.
Comment: This sequence change replaces proline, which is neutral and non-polar, with leucine, which is neutral and non-polar, at codon 121 of the SLC51B protein (p.Pro121Leu). This variant is present in population databases (rs75962063, gnomAD 0.007%). This variant has not been reported in the literature in individuals affected with SLC51B-related conditions. ClinVar contains an entry for this variant (Variation ID: 2319958). An algorithm developed to predict the effect of missense changes on protein structure and function (PolyPhen-2) suggests that this variant is likely to be disruptive. In summary, the available evidence is currently insufficient to determine the role of this variant in disease. Therefore, it has been classified as a Variant of Uncertain Significance.

Ambry Genetics
Classification: Uncertain significance. Last evaluated: 2022-10-26. Review status: criteria provided, single submitter. Criteria: Ambry Variant Classification Scheme 2023. Collection method: clinical testing. Allele origin: germline.